The following is an entry in ClinVar:

NM_003718.5(CDK13):c.439G>A (p.Glu147Lys)

Genes: CDK13 (cyclin dependent kinase 13; plus strand), LOC129998292 (ATAC-STARR-seq lymphoblastoid silent region 18115; plus strand). Cytogenetic location: 7p14.1.
Variant type: single nucleotide variant.
Coding change: c.439G>A on transcript NM_003718.5 (MANE Select); coding-DNA position 439, G replaced by A.
Protein change: p.Glu147Lys; replaces glutamic acid 147 with lysine.
Molecular consequence: missense variant.
Genome position (GRCh38, 1-based): chr7:39,951,080, G>A. VCF-style: chr7-39951080-G-A. GRCh37 (hg19) VCF-style: chr7-39990679-G-A.
Other names: c.439G>A, p.Glu147Lys (NM_031267.4); short protein forms E147K.
Identifiers: ClinVar variation 4765710 (VCV004765710.1).

ClinVar aggregate classification (germline): Uncertain significance (1 of 4 stars; one submission).

Submission:

Labcorp Genetics (formerly Invitae), Labcorp
Classification: Uncertain significance. Last evaluated: 2025-10-24. Review status: criteria provided, single submitter. Criteria: Invitae Variant Classification Sherloc (09022015). Collection method: clinical testing. Allele origin: germline.
Comment: This sequence change replaces glutamic acid, which is acidic and polar, with lysine, which is basic and polar, at codon 147 of the CDK13 protein (p.Glu147Lys). This variant is not present in population databases (gnomAD no frequency). This variant has not been reported in the literature in individuals affected with CDK13-related conditions. Invitae Evidence Modeling of protein sequence and biophysical properties (such as structural, functional, and spatial information, amino acid conservation, physicochemical variation, residue mobility, and thermodynamic stability) indicates that this missense variant is not expected to disrupt CDK13 protein function with a negative predictive value of 95%. In summary, the available evidence is currently insufficient to determine the role of this variant in disease. Therefore, it has been classified as a Variant of Uncertain Significance.